The following is an entry in ClinVar:

ClinVar aggregate classification (germline): Uncertain significance (1 of 4 stars; one submission).

Conditions:
Lethal occipital encephalocele-skeletal dysplasia syndrome. Identifiers: Orphanet 293925, MedGen C3280729, MONDO:0013740, OMIM 614416.

Submission:

Baylor Genetics
Classification: Uncertain significance for Lethal occipital encephalocele-skeletal dysplasia syndrome. Last evaluated: 2019-10-11. Review status: criteria provided, single submitter. Criteria: ACMG Guidelines, 2015. Collection method: clinical testing. Allele origin: unknown. Affected: yes. Study: CSER-TexasKidsCanSeq.
Comment: This variant was determined to be of uncertain significance according to ACMG Guidelines, 2015 [PMID:25741868].

NM_019885.4(CYP26B1):c.1333C>T (p.His445Tyr)

Gene: CYP26B1 (cytochrome P450 family 26 subfamily B member 1; minus strand). Cytogenetic location: 2p13.2.
Variant type: single nucleotide variant.
Coding change: c.1333C>T on transcript NM_019885.4 (MANE Select); coding-DNA position 1333, C replaced by T.
Protein change: p.His445Tyr; replaces histidine 445 with tyrosine.
Molecular consequence: missense variant.
Genome position (GRCh38, 1-based): chr2:72,132,433, G>A on the plus strand (C>T on the coding strand, the complement: CYP26B1 is on the minus strand). VCF-style: chr2-72132433-G-A. GRCh37 (hg19) VCF-style: chr2-72359562-G-A.
Other names: c.1108C>T, p.His370Tyr (NM_001277742.2); short protein forms H370Y, H445Y.
Identifiers: ClinVar variation 997465 (VCV000997465.2), dbSNP rs1676614895, ClinGen allele CA347222131.